The following is an entry in ClinVar:

ClinVar aggregate classification (germline): Uncertain significance (1 of 4 stars; one submission).

Submission:

GeneDx
Classification: Uncertain significance. Last evaluated: 2022-09-07. Review status: criteria provided, single submitter. Criteria: GeneDx Variant Classification Process June 2021. Collection method: clinical testing. Allele origin: germline. Affected: yes.
Comment: Not observed at significant frequency in large population cohorts (gnomAD); In silico analysis supports that this missense variant has a deleterious effect on protein structure/function; Has not been previously published as pathogenic or benign to our knowledge

NM_001256012.3(MYH10):c.5426G>T (p.Ser1809Ile)

Gene: MYH10 (myosin heavy chain 10; minus strand). Cytogenetic location: 17p13.1.
Variant type: single nucleotide variant.
Coding change: c.5426G>T on transcript NM_001256012.3 (MANE Select); coding-DNA position 5426, G replaced by T.
Protein change: p.Ser1809Ile; replaces serine 1809 with isoleucine.
Molecular consequence: missense variant.
Genome position (GRCh38, 1-based): chr17:8,480,281, C>A on the plus strand (G>T on the coding strand, the complement: MYH10 is on the minus strand). VCF-style: chr17-8480281-C-A. GRCh37 (hg19) VCF-style: chr17-8383599-C-A.
Other names: c.5360G>T, p.Ser1787Ile (NM_001256095.2); c.5363G>T, p.Ser1788Ile (NM_001375266.1); c.5333G>T, p.Ser1778Ile (NM_005964.5); short protein forms S1778I, S1787I, S1788I, S1809I.
Identifiers: ClinVar variation 2443437 (VCV002443437.1), dbSNP rs1913476598, ClinGen allele CA398041942.